The following is an entry in ClinVar:

ClinVar aggregate classification (germline): Conflicting classifications of pathogenicity. Review status: criteria provided, conflicting classifications (1 of 4 stars). 4 submissions from 4 submitters: Uncertain significance (3); Likely benign (1). Last evaluated 2025-09-24.

Conditions:
Hereditary cancer-predisposing syndrome. Also called: Neoplastic Syndromes, Hereditary; Hereditary Cancer Syndrome; Tumor predisposition; Hereditary neoplastic syndrome. Identifiers: Orphanet 140162, MedGen C0027672, MeSH D009386, MONDO:0015356.
Familial adenomatous polyposis 2. Also called: COLORECTAL ADENOMATOUS POLYPOSIS, AUTOSOMAL RECESSIVE; ADENOMAS, MULTIPLE COLORECTAL, AUTOSOMAL RECESSIVE; MUTYH-associated polyposis; MUTYH-related attenuated familial adenomatous polyposis; MUTYH Polyposis; Adenomas, multiple colorectal. Identifiers: Orphanet 220460, Orphanet 247798, MedGen C3272841, MONDO:0012041, OMIM 608456.

Allele frequency attached by ClinVar (database versions not stated): gnomAD exomes below 0.00001 and 0.00001.
gnomAD v4.1: 4 of 1,614,016 alleles (0.00025%); highest among the groups gnomAD compares: Non-Finnish European, 0.00034%; no homozygotes.

Submissions (4):

Labcorp Genetics (formerly Invitae), Labcorp
Classification: Uncertain significance for Familial adenomatous polyposis 2. Last evaluated: 2025-09-24. Review status: criteria provided, single submitter. Criteria: Invitae Variant Classification Sherloc (09022015). Collection method: clinical testing. Allele origin: germline.
Comment: This sequence change replaces glutamic acid, which is acidic and polar, with alanine, which is neutral and non-polar, at codon 74 of the MUTYH protein (p.Glu74Ala). This variant is present in population databases (no rsID available, gnomAD 0.0009%). This variant has not been reported in the literature in individuals affected with MUTYH-related conditions. ClinVar contains an entry for this variant (Variation ID: 630651). An algorithm developed to predict the effect of missense changes on protein structure and function outputs the following: PolyPhen-2: "Benign". The alanine amino acid residue is found in multiple mammalian species, which suggests that this missense change does not adversely affect protein function. In summary, the available evidence is currently insufficient to determine the role of this variant in disease. Therefore, it has been classified as a Variant of Uncertain Significance.

Ambry Genetics
Classification: Likely benign for Hereditary cancer-predisposing syndrome. Last evaluated: 2025-09-09. Review status: criteria provided, single submitter. Criteria: Ambry Variant Classification Scheme 2023. Collection method: clinical testing. Allele origin: germline.

Color Diagnostics, LLC DBA Color Health
Classification: Uncertain significance for Hereditary cancer-predisposing syndrome. Last evaluated: 2023-12-05. Review status: criteria provided, single submitter. Criteria: ACMG Guidelines, 2015. Collection method: clinical testing. Allele origin: germline.
Comment: This missense variant replaces glutamic acid with alanine at codon 74 of the MUTYH protein. Computational prediction suggests that this variant may not impact protein structure and function (internally defined REVEL score threshold <= 0.5, PMID: 27666373). To our knowledge, functional studies have not been reported for this variant. This variant has not been reported in individuals affected with MUTYH-related disorders in the literature. This variant has been identified in 1/251346 chromosomes in the general population by the Genome Aggregation Database (gnomAD). The available evidence is insufficient to determine the role of this variant in disease conclusively. Therefore, this variant is classified as a Variant of Uncertain Significance.

GeneDx
Classification: Uncertain significance. Last evaluated: 2020-02-07. Review status: criteria provided, single submitter. Criteria: GeneDx Variant Classification Process June 2021. Collection method: clinical testing. Allele origin: germline. Affected: yes.
Comment: Not observed at a significant frequency in large population cohorts (Lek et al., 2016); In silico analysis supports that this missense variant does not alter protein structure/function; Has not been previously published as pathogenic or benign to our knowledge

NM_001048174.2(MUTYH):c.137A>C (p.Glu46Ala)

Gene: MUTYH (mutY DNA glycosylase; minus strand). Cytogenetic location: 1p34.1.
Variant type: single nucleotide variant.
Coding change: c.137A>C on transcript NM_001048174.2 (MANE Select); coding-DNA position 137, A replaced by C.
Protein change: p.Glu46Ala; replaces glutamic acid 46 with alanine.
Molecular consequence: missense variant. On other transcripts: 5 prime UTR variant (1), non-coding transcript variant (2), intron variant (3).
Genome position (GRCh38, 1-based): chr1:45,333,540, T>G on the plus strand (A>C on the coding strand, the complement: MUTYH is on the minus strand). VCF-style: chr1-45333540-T-G. GRCh37 (hg19) VCF-style: chr1-45799212-T-G.
Other names: c.137A>C, p.Glu46Ala (NM_001048171.2, NM_001048173.2, NM_001293195.2); c.140A>C, p.Glu47Ala (NM_001048172.2); c.221A>C, p.Glu74Ala (NM_001128425.2); c.182A>C, p.Glu61Ala (NM_001293190.2); c.170A>C, p.Glu57Ala (NM_001293191.2); c.-135A>C (NM_001350650.2); c.212A>C, p.Glu71Ala (NM_012222.3); c.-92-43A>C (NM_001350651.2); and 1 more; short protein forms E74A, E47A, E57A, E71A, E46A, E61A.
Identifiers: ClinVar variation 630651 (VCV000630651.21), dbSNP rs1471949219, ClinGen allele CA340136635.